The following is an entry in ClinVar:

NM_001369268.1(ACAN):c.7153C>T (p.Arg2385Trp)

Gene: ACAN (aggrecan; plus strand). Cytogenetic location: 15q26.1.
Variant type: single nucleotide variant.
Coding change: c.7153C>T on transcript NM_001369268.1 (MANE Select); coding-DNA position 7153, C replaced by T.
Protein change: p.Arg2385Trp; replaces arginine 2385 with tryptophan.
Molecular consequence: missense variant.
Genome position (GRCh38, 1-based): chr15:88,871,474, C>T. VCF-style: chr15-88871474-C-T. GRCh37 (hg19) VCF-style: chr15-89414705-C-T.
Other names: c.6925C>T, p.Arg2309Trp (NM_001135.4, NM_001411096.1); c.7039C>T, p.Arg2347Trp (NM_001411097.1, NM_013227.4); short protein forms R2347W, R2385W, R2309W.
Identifiers: ClinVar variation 2234030 (VCV002234030.5), dbSNP rs1428837585, ClinGen allele CA393729637.

ClinVar aggregate classification (germline): Uncertain significance. Review status: criteria provided, multiple submitters, no conflicts (2 of 4 stars). 2 submissions from 2 submitters: Uncertain significance (2). Last evaluated 2025-09-08.

Conditions:
Inborn genetic diseases. Identifiers: MedGen C0950123, MeSH D030342.

gnomAD v4.1: 18 of 1,613,890 alleles (0.0011%); highest among the groups gnomAD compares: Admixed American, 0.0017%; no homozygotes.

Submissions (2):

Labcorp Genetics (formerly Invitae), Labcorp
Classification: Uncertain significance. Last evaluated: 2025-09-08. Review status: criteria provided, single submitter. Criteria: Invitae Variant Classification Sherloc (09022015). Collection method: clinical testing. Allele origin: germline.
Comment: This sequence change replaces arginine, which is basic and polar, with tryptophan, which is neutral and slightly polar, at codon 2347 of the ACAN protein (p.Arg2347Trp). This variant is present in population databases (no rsID available, gnomAD 0.002%). This variant has not been reported in the literature in individuals affected with ACAN-related conditions. ClinVar contains an entry for this variant (Variation ID: 2234030). An algorithm developed to predict the effect of missense changes on protein structure and function (PolyPhen-2) suggests that this variant is likely to be disruptive. In summary, the available evidence is currently insufficient to determine the role of this variant in disease. Therefore, it has been classified as a Variant of Uncertain Significance.

Ambry Genetics
Classification: Uncertain significance for Inborn genetic diseases. Last evaluated: 2021-06-21. Review status: criteria provided, single submitter. Criteria: Ambry Variant Classification Scheme 2023. Collection method: clinical testing. Allele origin: germline.